The following is an entry in ClinVar:

NM_030578.4(B9D2):c.119G>A (p.Arg40Gln)

Gene: B9D2 (B9 domain containing 2; minus strand). Cytogenetic location: 19q13.2.
Variant type: single nucleotide variant.
Coding change: c.119G>A on transcript NM_030578.4 (MANE Select); coding-DNA position 119, G replaced by A.
Protein change: p.Arg40Gln; replaces arginine 40 with glutamine.
Molecular consequence: missense variant.
Genome position (GRCh38, 1-based): chr19:41,357,992, C>T on the plus strand (G>A on the coding strand, the complement: B9D2 is on the minus strand). VCF-style: chr19-41357992-C-T. GRCh37 (hg19) VCF-style: chr19-41863897-C-T.
Other names: short protein forms R40Q.
Identifiers: ClinVar variation 4978373 (VCV004978373.1).

ClinVar aggregate classification (germline): Uncertain significance (1 of 4 stars; one submission).

Conditions:
B9D2-related disorder. Also called: B9D2-related condition.

gnomAD v4.1: 28 of 1,613,988 alleles (0.0017%); highest among the groups gnomAD compares: East Asian, 0.0067%; no homozygotes.

Submission:

PreventionGenetics, part of Exact Sciences
Classification: Uncertain significance for B9D2-related condition. Last evaluated: 2026-06-05. Review status: criteria provided, single submitter. Criteria: ACMG Guidelines, 2015. Collection method: clinical testing. Allele origin: germline.
Comment: The B9D2 c.119G>A variant is predicted to result in the amino acid substitution p.Arg40Gln. To our knowledge, this variant has not been reported in the literature. This variant is reported in 0.0054% of alleles in individuals of East Asian descent in gnomAD. At this time, the clinical significance of this variant is uncertain due to the absence of conclusive functional and genetic evidence.